The following is an entry in ClinVar:

ClinVar aggregate classification (germline): Uncertain significance (1 of 4 stars; one submission).

Conditions:
Parathyroid carcinoma (PRTC). Also called: Parathyroid gland carcinoma; CDC73-Related Parathyroid Carcinoma. Identifiers: Orphanet 143, MedGen C0687150, MONDO:0012004, OMIM 608266, HP:0006780.

Submission:

Labcorp Genetics (formerly Invitae), Labcorp
Classification: Uncertain significance for Parathyroid carcinoma. Last evaluated: 2023-08-24. Review status: criteria provided, single submitter. Criteria: Invitae Variant Classification Sherloc (09022015). Collection method: clinical testing. Allele origin: germline.
Comment: This variant has not been reported in the literature in individuals affected with CDC73-related conditions. This sequence change falls in intron 3 of the CDC73 gene. It does not directly change the encoded amino acid sequence of the CDC73 protein. It affects a nucleotide within the consensus splice site. This variant is not present in population databases (gnomAD no frequency). Variants that disrupt the consensus splice site are a relatively common cause of aberrant splicing (PMID: 17576681, 9536098). Algorithms developed to predict the effect of sequence changes on RNA splicing suggest that this variant may disrupt the consensus splice site. In summary, the available evidence is currently insufficient to determine the role of this variant in disease. Therefore, it has been classified as a Variant of Uncertain Significance.

Literature cited by the submitters: PubMed 17576681; PubMed 9536098.

NM_024529.5(CDC73):c.307+5G>A

Gene: CDC73 (cell division cycle 73; plus strand). Cytogenetic location: 1q31.2.
Variant type: single nucleotide variant.
Coding change: c.307+5G>A on transcript NM_024529.5 (MANE Select); 5 bases into the intron after coding-DNA position 307, G replaced by A.
Molecular consequence: intron variant.
Genome position (GRCh38, 1-based): chr1:193,130,248, G>A. VCF-style: chr1-193130248-G-A. GRCh37 (hg19) VCF-style: chr1-193099378-G-A.
Identifiers: ClinVar variation 2877207 (VCV002877207.3), dbSNP rs2103117996, ClinGen allele CA2649626256.